The following is an entry in ClinVar:

ClinVar aggregate classification (germline): Uncertain significance. Review status: criteria provided, multiple submitters, no conflicts (2 of 4 stars). 8 submissions from 8 submitters: Uncertain significance (8). Last evaluated 2025-04-17.

Conditions:
Paroxysmal extreme pain disorder (PEXPD). Also called: PAIN, SUBMANDIBULAR, OCULAR, AND RECTAL, WITH FLUSHING; RECTAL PAIN, FAMILIAL; SCN9A Paroxysmal Extreme Pain Disorder (SCN9A-PEPD). Identifiers: Orphanet 46348, MedGen C1833661, MONDO:0008179, OMIM 167400.
Generalized epilepsy with febrile seizures plus, type 7 (GEFSP7). Also called: GEFS+, TYPE 7. Identifiers: Orphanet 36387, MedGen C2751778, MONDO:0013470, OMIM 613863.
Primary erythromelalgia. Also called: primary erythermalgia; SCN9A Erythromelalgia (SCN9A-EM). Identifiers: Orphanet 306577, Orphanet 90026, MedGen C0014805, MONDO:0007571, OMIM 133020.
Severe myoclonic epilepsy in infancy (DRVT). Also called: Dravet syndrome; Epileptic encephalopathy, early infantile, 6 (Dravet syndrome); SEVERE MYOCLONIC EPILEPSY OF INFANCY; DEVELOPMENTAL AND EPILEPTIC ENCEPHALOPATHY 6A; Severe Myoclonic Epilepsy in Infancy (SMEI). Identifiers: Orphanet 33069, MedGen C0751122, MONDO:0100135, OMIM 607208.
Channelopathy-associated congenital insensitivity to pain, autosomal recessive. Also called: CONGENITAL ANALGESIA, AUTOSOMAL RECESSIVE; ASYMBOLIA FOR PAIN; Insensitivity to pain, channelopathy-associated. Identifiers: Orphanet 88642, Orphanet 970, MedGen C1855739, MONDO:0009459, OMIM 243000.
Neuropathy, hereditary sensory and autonomic, type 2A (HSAN2A). Also called: ACROOSTEOLYSIS, GIACCAI TYPE; ACROOSTEOLYSIS, NEUROGENIC; MORVAN DISEASE; NEUROPATHY, CONGENITAL SENSORY; NEUROPATHY, HEREDITARY SENSORY RADICULAR, AUTOSOMAL RECESSIVE; NEUROPATHY, HEREDITARY SENSORY, TYPE IIA. Identifiers: Orphanet 970, MedGen C2752089, MONDO:0024309, OMIM 201300.
Inborn genetic diseases. Identifiers: MedGen C0950123, MeSH D030342.

Allele frequency attached by ClinVar (database versions not stated): ExAC 0.00001; gnomAD exomes 0.00001; gnomAD 0.00003; TOPMed 0.00003.
gnomAD v4.1: 55 of 1,600,544 alleles (0.0034%); highest among the groups gnomAD compares: Non-Finnish European, 0.0043%; no homozygotes.

Submissions (8):

Labcorp Genetics (formerly Invitae), Labcorp
Classification: Uncertain significance for Neuropathy, hereditary sensory and autonomic, type 2A; Generalized epilepsy with febrile seizures plus, type 7. Last evaluated: 2025-04-17. Review status: criteria provided, single submitter. Criteria: Invitae Variant Classification Sherloc (09022015). Collection method: clinical testing. Allele origin: germline.
Comment: This sequence change replaces serine, which is neutral and polar, with leucine, which is neutral and non-polar, at codon 535 of the SCN9A protein (p.Ser535Leu). This variant is present in population databases (rs201354321, gnomAD 0.003%). This variant has not been reported in the literature in individuals affected with SCN9A-related conditions. ClinVar contains an entry for this variant (Variation ID: 538480). An algorithm developed to predict the effect of missense changes on protein structure and function (PolyPhen-2) suggests that this variant is likely to be disruptive. In summary, the available evidence is currently insufficient to determine the role of this variant in disease. Therefore, it has been classified as a Variant of Uncertain Significance.

Revvity Omics, Revvity
Classification: Uncertain significance. Last evaluated: 2025-01-02. Review status: criteria provided, single submitter. Criteria: ACMG Guidelines, 2015. Collection method: clinical testing. Allele origin: germline.

Ambry Genetics
Classification: Uncertain significance for Inborn genetic diseases. Last evaluated: 2023-12-27. Review status: criteria provided, single submitter. Criteria: Ambry Variant Classification Scheme 2023. Collection method: clinical testing. Allele origin: germline.
Comment: The c.1604C>T (p.S535L) alteration is located in exon 12 (coding exon 11) of the SCN9A gene. This alteration results from a C to T substitution at nucleotide position 1604, causing the serine (S) at amino acid position 535 to be replaced by a leucine (L). The alteration is ultra rare in population databases:_x000D_ _x000D_ Based on data from the Genome Aggregation Database (gnomAD), the SCN9A c.1604C>T alteration was observed in 0.002% (4/264,180) of total alleles studied. The altered amino acid is conserved throughout evolution:_x000D_ _x000D_ The p.S535 amino acid is conserved in available vertebrate species. The alteration is predicted benign by in silico models:_x000D_ _x000D_ The p.S535L alteration is predicted to be benign by Polyphen and tolerated by SIFT in silico analyses. Based on insufficient or conflicting evidence, the clinical significance of this alteration remains unclear.

Blueprint Genetics
Classification: Uncertain significance. Last evaluated: 2022-09-27. Review status: criteria provided, single submitter. Criteria: ACMG Guidelines, 2015. Collection method: clinical testing. Allele origin: germline.

GeneDx
Classification: Uncertain significance. Last evaluated: 2019-09-03. Review status: criteria provided, single submitter. Criteria: GeneDx Variant Classification Process June 2021. Collection method: clinical testing. Allele origin: germline. Affected: yes.
Comment: Not observed at a significant frequency in large population cohorts (Lek et al., 2016); In silico analysis, which includes protein predictors and evolutionary conservation, supports a deleterious effect; Has not been previously published as pathogenic or benign to our knowledge

Fulgent Genetics
Classification: Uncertain significance for Primary erythromelalgia; Paroxysmal extreme pain disorder; Neuropathy, hereditary sensory and autonomic, type 2A; Channelopathy-associated congenital insensitivity to pain, autosomal recessive; Severe myoclonic epilepsy in infancy; Generalized epilepsy with febrile seizures plus, type 7. Last evaluated: 2018-10-31. Review status: criteria provided, single submitter. Criteria: ACMG Guidelines, 2015. Collection method: clinical testing. Allele origin: unknown.

CENTOGENE GmbH and LLC - Guiding Precision Medicine
Classification: Uncertain significance for Primary erythromelalgia. Last evaluated: 2018-08-18. Review status: criteria provided, single submitter. Criteria: ACMG Guidelines, 2015. Collection method: clinical testing. Allele origin: germline. Affected: yes.

ARUP Laboratories, Molecular Genetics and Genomics, ARUP Laboratories
Classification: Uncertain significance. Last evaluated: 2017-09-26. Review status: criteria provided, single submitter. Criteria: ARUP Molecular Germline Variant Investigation Process. Collection method: clinical testing. Allele origin: germline.
Comment: The p.Ser535Leu variant (rs201354321) has not been reported in the medical literature, gene specific variation databases, nor has it been previously identified by our laboratory. This variant is listed in the Genome Aggregation Database (gnomAD) with an overall population frequency of 0.002 percent (identified on 4 out of 260,912 chromosomes). The serine at position 535 is highly conserved considering 12 species (Alamut v2.9.0) and computational analyses of the effects of the p.Ser535Leu variant on protein structure and function indicate a deleterious effect (SIFT: damaging, MutationTaster: disease causing, PolyPhen-2: probably damaging). Altogether, there is not enough evidence to classify the p.Ser535Leu variant with certainty.

NM_001365536.1(SCN9A):c.1604C>T (p.Ser535Leu)

Genes: SCN1A-AS1 (SCN1A and SCN9A antisense RNA 1; plus strand), SCN9A (sodium voltage-gated channel alpha subunit 9; minus strand). Cytogenetic location: 2q24.3.
Variant type: single nucleotide variant.
Coding change: c.1604C>T on transcript NM_001365536.1 (MANE Select); coding-DNA position 1604, C replaced by T.
Protein change: p.Ser535Leu; replaces serine 535 with leucine.
Molecular consequence: missense variant.
Genome position (GRCh38, 1-based): chr2:166,284,823, G>A on the plus strand (C>T on the coding strand, the complement: SCN9A is on the minus strand). VCF-style: chr2-166284823-G-A. GRCh37 (hg19) VCF-style: chr2-167141333-G-A.
Other names: c.1604C>T, p.Ser535Leu (NM_002977.4); short protein forms S535L.
Identifiers: ClinVar variation 538480 (VCV000538480.23), dbSNP rs201354321, ClinGen allele CA1944468.
Genomic context (GRCh38, chr2:166,284,823, plus strand): 5'-AAAAGACTTGTTCTGCTGCTTCGCCTTGCAGAAAACAAGGAGCCACGAATGCTGAGTGGT[G>A]ACTGCAGAAAAATTAAAAAAAACGTGGTTGCTGAAGCACCTACTGATAGAAGTACACTTC-3'
Protein context (NP_001352465.1, residues 525-545): HEKRLSTPNQ[Ser535Leu]PLSIRGSLFS